The following is an entry in ClinVar:

NM_001620.3(AHNAK):c.6140A>G (p.Lys2047Arg)

Gene: AHNAK (AHNAK nucleoprotein; minus strand). Cytogenetic location: 11q12.3.
Variant type: single nucleotide variant.
Coding change: c.6140A>G on transcript NM_001620.3 (MANE Select); coding-DNA position 6140, A replaced by G.
Protein change: p.Lys2047Arg; replaces lysine 2047 with arginine.
Molecular consequence: missense variant. On other transcripts: intron variant (1).
Genome position (GRCh38, 1-based): chr11:62,528,277, T>C on the plus strand (A>G on the coding strand, the complement: AHNAK is on the minus strand). VCF-style: chr11-62528277-T-C. GRCh37 (hg19) VCF-style: chr11-62295749-T-C.
Other names: c.6140A>G, p.Lys2047Arg (NM_001346446.2, NM_001346445.2); c.342+6726A>G (NM_024060.4); short protein forms K2047R.
Identifiers: ClinVar variation 5033413 (VCV005033413.1).
Genomic context (GRCh38, chr11:62,528,277, plus strand): 5'-TCTGGGCCCTCTGCTTTGAAGCCAGGCATGCTGAACTTGGGCATTTTCATCTTGGGCATC[T>C]TCAGGTGCCAGTCTGGGCCATGAACATCCACATCTGGGGCATCAATGTCCATTTTGGGTC-3'
Protein context (NP_001611.1, residues 2037-2057): VDVHGPDWHL[Lys2047Arg]MPKMKMPKFS

ClinVar aggregate classification (germline): Uncertain significance (1 of 4 stars; one submission).

gnomAD v4.1: 25 of 1,614,070 alleles (0.0015%); highest among the groups gnomAD compares: Non-Finnish European, 0.0019%; no homozygotes.

Submission:

Ambry Genetics
Classification: Uncertain significance. Last evaluated: 2026-07-14. Review status: criteria provided, single submitter. Criteria: Ambry Variant Classification Scheme 2023. Collection method: clinical testing. Allele origin: germline.
Comment: The c.6140A>G (p.K2047R) alteration is located in exon 5 (coding exon 3) of the AHNAK gene. This alteration results from a A to G substitution at nucleotide position 6140, causing the lysine (K) at amino acid position 2047 to be replaced by an arginine (R). Based on data from gnomAD, the G allele has an overall frequency of 0.001% (3/282888) total alleles studied. The highest observed frequency was 0.014% (1/7228) of Other alleles. Based on insufficient or conflicting evidence, the clinical significance of this alteration remains unclear.